The following is an entry in ClinVar:

NM_201384.3(PLEC):c.12476G>A (p.Arg4159His)

Gene: PLEC (plectin; minus strand). Cytogenetic location: 8q24.3.
Variant type: single nucleotide variant.
Coding change: c.12476G>A on transcript NM_201384.3 (MANE Select); coding-DNA position 12476, G replaced by A.
Protein change: p.Arg4159His; replaces arginine 4159 with histidine.
Molecular consequence: missense variant.
Genome position (GRCh38, 1-based): chr8:143,917,345, C>T on the plus strand (G>A on the coding strand, the complement: PLEC is on the minus strand). VCF-style: chr8-143917345-C-T. GRCh37 (hg19) VCF-style: chr8-144991513-C-T.
Other names: c.12557G>A (NM_000445.3); c.12557G>A, p.Arg4186His (NM_000445.5); c.12434G>A, p.Arg4145His (NM_201378.4); c.12410G>A, p.Arg4137His (NM_201379.3); c.12887G>A, p.Arg4296His (NM_201380.4); c.12380G>A, p.Arg4127His (NM_201381.3); c.12476G>A, p.Arg4159His (NM_201382.4); c.12488G>A, p.Arg4163His (NM_201383.3); short protein forms R4127H, R4137H, R4145H, R4159H, R4163H, R4186H, R4296H.
Identifiers: ClinVar variation 498993 (VCV000498993.15), dbSNP rs200506691, ClinGen allele CA4924075.
Genomic context (GRCh38, chr8:143,917,345, plus strand): 5'-TCCCACTCGCACTCCTGCTCGGACAGCTCCAGGTACGTCTGGTGGTCAATCAGGCCCTTG[C>T]GGTAGGCCTCGTACACTGACATCTCCTTGCCCGTCTCGGGGTCCACGATGACCACTCGGC-3'
Protein context (NP_958786.1, residues 4149-4169): GKEMSVYEAY[Arg4159His]KGLIDHQTYL

ClinVar aggregate classification (germline): Uncertain significance. Review status: criteria provided, multiple submitters, no conflicts (2 of 4 stars). 5 submissions from 5 submitters: Uncertain significance (4). 1 of the submissions does not count toward it. Last evaluated 2024-11-25.

Conditions:
PLEC-related disorder. Also called: PLEC-related disorders; PLEC-related condition.
Autosomal recessive limb-girdle muscular dystrophy type 2Q (LGMDR17). Also called: MUSCULAR DYSTROPHY, LIMB-GIRDLE, AUTOSOMAL RECESSIVE 17. Identifiers: Orphanet 254361, MedGen C3150989, MONDO:0013390, OMIM 613723.
Epidermolysis bullosa simplex with nail dystrophy (EBS5D). Identifiers: MedGen C4225309, MONDO:0014661, OMIM 616487.
Epidermolysis bullosa simplex 5B, with muscular dystrophy (EBS5B). Also called: EPIDERMOLYSIS BULLOSA SIMPLEX AND LIMB-GIRDLE MUSCULAR DYSTROPHY; Epidermolysis bullosa simplex with muscular dystrophy. Identifiers: Orphanet 257, MedGen C2931072, MONDO:0009181, OMIM 226670.
Epidermolysis bullosa simplex, Ogna type (EBS5A). Also called: EPIDERMOLYSIS BULLOSA SIMPLEX 5A, OGNA TYPE; Pidermolysis bullosa simplex 5A, Ogna type. Identifiers: Orphanet 79401, MedGen C0432317, MONDO:0007555, OMIM 131950.
Epidermolysis bullosa simplex 5C, with pyloric atresia (EBS5C). Also called: PLEC-Related Epidermolysis Bullosa with Pyloric Atresia; PLEC1-Related Epidermolysis Bullosa with Pyloric Atresia; Epidermolysis bullosa simplex with pyloric atresia. Identifiers: Orphanet 158684, MedGen C2677349, MONDO:0012807, OMIM 612138.
Inborn genetic diseases. Identifiers: MedGen C0950123, MeSH D030342.

Allele frequency attached by ClinVar (database versions not stated): gnomAD 0.00001 and 0.00002; ExAC 0.00003; gnomAD exomes 0.00003 and 0.00007; TOPMed 0.00003; 1000 Genomes Project 30x 0.00016; ESP Exome Variant Server 0.00016.
gnomAD v4.1: 101 of 1,609,890 alleles (0.0063%); highest among the groups gnomAD compares: Middle Eastern, 0.016%; no homozygotes.

Submissions (5):

Ambry Genetics
Classification: Uncertain significance for Inborn genetic diseases. Last evaluated: 2024-11-25. Review status: criteria provided, single submitter. Criteria: Ambry Variant Classification Scheme 2023. Collection method: clinical testing. Allele origin: germline.

Labcorp Genetics (formerly Invitae), Labcorp
Classification: Uncertain significance for Autosomal recessive limb-girdle muscular dystrophy type 2Q; Epidermolysis bullosa simplex, Ogna type; Epidermolysis bullosa simplex with nail dystrophy; Epidermolysis bullosa simplex 5C, with pyloric atresia; Epidermolysis bullosa simplex 5B, with muscular dystrophy. Last evaluated: 2023-10-24. Review status: criteria provided, single submitter. Criteria: Invitae Variant Classification Sherloc (09022015). Collection method: clinical testing. Allele origin: germline.
Comment: This sequence change replaces arginine, which is basic and polar, with histidine, which is basic and polar, at codon 4186 of the PLEC protein (p.Arg4186His). This variant is present in population databases (rs200506691, gnomAD 0.006%). This variant has not been reported in the literature in individuals affected with PLEC-related conditions. ClinVar contains an entry for this variant (Variation ID: 498993). Advanced modeling of protein sequence and biophysical properties (such as structural, functional, and spatial information, amino acid conservation, physicochemical variation, residue mobility, and thermodynamic stability) performed at Invitae indicates that this missense variant is not expected to disrupt PLEC protein function with a negative predictive value of 80%. In summary, the available evidence is currently insufficient to determine the role of this variant in disease. Therefore, it has been classified as a Variant of Uncertain Significance.

Revvity Omics, Revvity
Classification: Uncertain significance. Last evaluated: 2021-12-21. Review status: criteria provided, single submitter. Criteria: ACMG Guidelines, 2015. Collection method: clinical testing. Allele origin: germline.

Eurofins Ntd Llc (ga)
Classification: Uncertain significance. Last evaluated: 2016-12-27. Review status: criteria provided, single submitter. Criteria: EGL Classification Definitions 2015. Collection method: clinical testing. Allele origin: germline. Observed: 2 variant alleles, 2 heterozygotes.

PreventionGenetics, part of Exact Sciences
Classification: Uncertain significance for PLEC-related condition. Last evaluated: 2024-04-03. Review status: no assertion criteria provided. Collection method: clinical testing. Allele origin: germline. Not counted in ClinVar's aggregate classification.
Comment: The PLEC c.12557G>A variant is predicted to result in the amino acid substitution p.Arg4186His. To our knowledge, this variant has not been reported in the literature. This variant is reported in 0.0058% of alleles in individuals of Latino descent in gnomAD. At this time, the clinical significance of this variant is uncertain due to the absence of conclusive functional and genetic evidence.